The following is an entry in ClinVar:

NM_030912.3(TRIM8):c.1240C>T (p.Gln414Ter)

Gene: TRIM8 (tripartite motif containing 8; plus strand). Cytogenetic location: 10q24.32.
Variant type: single nucleotide variant.
Coding change: c.1240C>T on transcript NM_030912.3 (MANE Select); coding-DNA position 1240, C replaced by T.
Protein change: p.Gln414Ter; replaces glutamine 414 with a stop codon.
Molecular consequence: nonsense. On other transcripts: non-coding transcript variant (1).
Genome position (GRCh38, 1-based): chr10:102,656,938, C>T. VCF-style: chr10-102656938-C-T. GRCh37 (hg19) VCF-style: chr10-104416695-C-T.
Other names: c.1144C>T, p.Gln382Ter (NM_001345950.1); short protein forms Q382*, Q414*.
Identifiers: ClinVar variation 1344829 (VCV001344829.3), dbSNP rs2135984958, ClinGen allele CA377931626.

ClinVar aggregate classification (germline): Pathogenic. Review status: criteria provided, multiple submitters, no conflicts (2 of 4 stars). 3 submissions from 3 submitters: Pathogenic (2). 1 of the submissions does not count toward it. Last evaluated 2025-06-04.

Conditions:
Focal segmental glomerulosclerosis and neurodevelopmental syndrome. Identifiers: MedGen C5561938, MONDO:0100111, OMIM 619428.
Neurodevelopmental delay. Identifiers: MedGen C4022738, HP:0012758.
Focal segmental glomerulosclerosis (FSGS). Also called: Glomerulosclerosis, focal; Focal sclerosis with hyalinosis. Identifiers: MedGen C0017668, MONDO:0100313, HP:0000097. Disease mechanism: loss of function.
Seizure. Also called: Seizures. Identifiers: MedGen C0036572, HP:0001250.

Submissions (3):

GeneDx
Classification: Pathogenic. Last evaluated: 2025-06-04. Review status: criteria provided, single submitter. Criteria: GeneDx Variant Classification Process June 2021. Collection method: clinical testing. Allele origin: germline. Affected: yes.
Comment: Nonsense variant predicted to result in protein truncation, as the last 138 amino acid(s) are lost, and other loss-of-function variants have been reported downstream in HGMD; Not observed at significant frequency in large population cohorts (gnomAD); This variant is associated with the following publications: (PMID: 33508234)

Baylor Genetics
Classification: Pathogenic for Focal segmental glomerulosclerosis and neurodevelopmental syndrome. Last evaluated: 2023-11-25. Review status: criteria provided, single submitter. Criteria: ACMG Guidelines, 2015. Collection method: clinical testing. Allele origin: unknown.

Yale Center for Mendelian Genomics, Yale University
Classification: Likely pathogenic for Neurodevelopmental delay; Seizure; Focal segmental glomerulosclerosis. Last evaluated: 2021-01-27. Review status: no assertion criteria provided. Collection method: literature only. Allele origin: germline. Affected: yes. Observed: 1 heterozygote. Study: Yale Center for Mendelian Genomics. Not counted in ClinVar's aggregate classification.

Literature cited by the submitters: PubMed 33508234 (cited by Yale Center for Mendelian Genomics, Yale University).